The following is an entry in ClinVar:

NM_002016.2(FLG):c.10969C>T (p.Arg3657Ter)

Genes: CCDST (cervical cancer associated DHX9 suppressive transcript; plus strand), FLG (filaggrin; minus strand). Cytogenetic location: 1q21.3.
Variant type: single nucleotide variant.
Coding change: c.10969C>T on transcript NM_002016.2 (MANE Select); coding-DNA position 10969, C replaced by T.
Protein change: p.Arg3657Ter; replaces arginine 3657 with a stop codon.
Molecular consequence: nonsense.
Genome position (GRCh38, 1-based): chr1:152,303,917, G>A on the plus strand (C>T on the coding strand, the complement: FLG is on the minus strand). VCF-style: chr1-152303917-G-A. GRCh37 (hg19) VCF-style: chr1-152276393-G-A.
Other names: short protein forms R3657*.
Identifiers: ClinVar variation 429704 (VCV000429704.12), dbSNP rs749083759, ClinGen allele CA1103108.
Genomic context (GRCh38, chr1:152,303,917, plus strand): 5'-GTGTGTCTGAGTCTTCTGAATGTCCCTCACTGTCACTGGCCTGACTACCACTGGACCCTC[G>A]GTGTCCACTGTCTCTGACTGCAGATGAAGCTTGTCCGTGCCCAATGCCTGAGTGTCTGGA-3'

ClinVar aggregate classification (germline): Pathogenic/Likely pathogenic. Review status: criteria provided, multiple submitters, no conflicts (2 of 4 stars). 7 submissions from 7 submitters: Pathogenic (4); Likely pathogenic (3). Last evaluated 2025-05-09.

Conditions:
Autosomal dominant ichthyosis vulgaris. Identifiers: MedGen C0432300, MONDO:0007810.
Ichthyosis vulgaris. Also called: ICHTHYOSIS SIMPLEX; Dominant ichthyosis vulgaris. Identifiers: MedGen C0079584, MONDO:0024304, OMIM 146700.
Dermatitis, atopic, 2. Identifiers: MedGen C1853965, MONDO:0011596, OMIM 605803.

Allele frequency attached by ClinVar (database versions not stated): gnomAD 0.00004; TOPMed 0.00005.

Submissions (7):

Variantyx, Inc.
Classification: Likely pathogenic for Ichthyosis vulgaris. Last evaluated: 2025-05-09. Review status: criteria provided, single submitter. Criteria: Variantyx Assertion Criteria 2022. Collection method: clinical testing. Allele origin: germline. Inheritance: Semidominant inheritance. Affected: no.
Comment: This is a nonsense variant in the FLG gene (OMIM: 135940). Pathogenic variants in this gene have been associated with semidominant ichthyosis vulgaris. This variant introduces a premature termination codon in exon 3 out of 3 and is expected to result in loss of function, which is a known disease mechanism for FLG in this disorder (PMID: 31365035) (PVS1). It has a 0.0826% maximum allele frequency in non-founder control populations (PM2). Based on the current evidence, this variant is classified as likely pathogenic for autosomal semidominant ichthyosis vulgaris.

GeneDx
Classification: Pathogenic. Last evaluated: 2024-04-16. Review status: criteria provided, single submitter. Criteria: GeneDx Variant Classification Process June 2021. Collection method: clinical testing. Allele origin: germline. Affected: yes.
Comment: Identified in an individual with symmetrical acral keratoderma and ichthyosis vulgaris in published literature (PMID: 36716921); Nonsense variant predicted to result in protein truncation, as the last 405 amino acids are lost, and other loss-of-function variants have been reported downstream in HGMD; This variant is associated with the following publications: (PMID: 36716921)

3billion
Classification: Likely pathogenic for Ichthyosis vulgaris. Last evaluated: 2023-07-07. Review status: criteria provided, single submitter. Criteria: ACMG Guidelines, 2015. Collection method: clinical testing. Allele origin: germline. Affected: yes.
Comment: The variant is observed at an extremely low frequency in the gnomAD v2.1.1 dataset (total allele frequency: 0.012%). Predicted Consequence/Location: Stop-gained (nonsense): predicted to result in a loss or disruption of normal protein function through protein truncation. The predicted truncated protein may be shortened by less than 10%. The variant has been reported at least twice as pathogenic without evidence for the classification (ClinVar ID: VCV000429704). Therefore, this variant is classified as Likely pathogenic according to the recommendation of ACMG/AMP guideline.

Genome-Nilou Lab
Classification: Pathogenic for Ichthyosis vulgaris. Last evaluated: 2023-04-11. Review status: criteria provided, single submitter. Criteria: ACMG Guidelines, 2015. Collection method: clinical testing. Allele origin: germline. Affected: no.

Mendelics
Classification: Pathogenic for Ichthyosis vulgaris. Last evaluated: 2022-05-04. Review status: criteria provided, single submitter. Criteria: Mendelics Assertion Criteria 2019. Collection method: clinical testing. Allele origin: germline.

Victorian Clinical Genetics Services, Murdoch Childrens Research Institute
Classification: Pathogenic for Autosomal dominant ichthyosis vulgaris. Last evaluated: 2020-10-19. Review status: criteria provided, single submitter. Criteria: ACMG Guidelines, 2015. Collection method: clinical testing. Allele origin: germline. Inheritance: Autosomal dominant inheritance. Affected: yes.
Comment: Based on the classification scheme VCGS_Germline_v0.6.1, this variant is classified as pathogenic. Following criteria are met: 0102 - Loss of function is a known mechanism of disease for this gene. (N) 0107 - This gene is known to be associated with autosomal dominant disease. (N) 0112 - Variants in this gene are known to have reduced penetrance (PMID:17417636). (N) 0205 - Variant is predicted to result in a truncated protein with less than 1/3 of the protein affected. (P) 0507 - Identified variant type is not compatible with in silico predictions of pathogenicity. (N) 0600 - Variant results in the loss of downstream annotated domain or motif that does not have a well established function, (Filaggrin repeats; PDB, NCBI). (N) 0701 - Downstream comparable variants also predicted to truncate the variant have very strong previous evidence for pathogenicity (Decipher, ClinVar, PMID:17417636, PMID: 24608987, PMID: 19663875). (P) 0803 - Low previous evidence of pathogenicity in an individual with ichthyosis vulgaris (PMID: 28407221, ClinVar). (P) 0905 - No published segregation evidence has been identified for this variant. (N) 1007 - No published functional evidence has been identified for this variant. (N) 1205 - Variant is not maternally inherited. (N) Legend: (P) - Pathogenic, (N) - Neutral, (B) - Benign

Juno Genomics, Hangzhou Juno Genomics, Inc
Classification: Likely pathogenic for Dermatitis, atopic, 2; Ichthyosis vulgaris. Review status: criteria provided, single submitter. Criteria: ACMG Guidelines, 2015. Collection method: clinical testing. Allele origin: germline.
Comment: Absent from controls (or at extremely low frequency if recessive) in Genome Aggregation Database.;Null variant in a gene where loss of function (LOF) is a known mechanism of disease.;For recessive disorders, detected in trans with a pathogenic variant.;The prevalence of the variant in affected individuals is significantly increased compared to the prevalence in controls.;Patient's phenotype or family history is highly specific for a disease with a single genetic etiology.

Literature cited by the submitters: PubMed 31365035 (cited by Variantyx, Inc.); PubMed 17417636 (cited by Victorian Clinical Genetics Services, Murdoch Childrens Research Institute); PubMed 19663875 (cited by Victorian Clinical Genetics Services, Murdoch Childrens Research Institute); PubMed 24608987 (cited by Victorian Clinical Genetics Services, Murdoch Childrens Research Institute); PubMed 28407221 (cited by Victorian Clinical Genetics Services, Murdoch Childrens Research Institute).